The following is an entry in ClinVar:

ClinVar aggregate classification (germline): Uncertain significance (1 of 4 stars; one submission).

Conditions:
Epilepsy, X-linked 1, with variable learning disabilities and behavior disorders. Also called: X-linked epilepsy-learning disabilities-behavior disorders syndrome. Identifiers: Orphanet 85294, MedGen C5774177, MONDO:0010339, OMIM 300491.

Submission:

Labcorp Genetics (formerly Invitae), Labcorp
Classification: Uncertain significance for Epilepsy, X-linked 1, with variable learning disabilities and behavior disorders. Last evaluated: 2021-10-16. Review status: criteria provided, single submitter. Criteria: Invitae Variant Classification Sherloc (09022015). Collection method: clinical testing. Allele origin: germline.
Comment: In summary, the available evidence is currently insufficient to determine the role of this variant in disease. Therefore, it has been classified as a Variant of Uncertain Significance. This sequence change replaces alanine with glutamic acid at codon 607 of the SYN1 protein (p.Ala607Glu). The alanine residue is moderately conserved and there is a moderate physicochemical difference between alanine and glutamic acid. The frequency data for this variant in the population databases is considered unreliable, as metrics indicate insufficient coverage at this position in the ExAC database. This variant has not been reported in the literature in individuals affected with SYN1-related conditions. Algorithms developed to predict the effect of missense changes on protein structure and function are either unavailable or do not agree on the potential impact of this missense change (SIFT: "Deleterious"; PolyPhen-2: "Not Available"; Align-GVGD: "Class C0").

NM_006950.3(SYN1):c.1820C>A (p.Ala607Glu)

Gene: SYN1 (synapsin I; minus strand). Cytogenetic location: Xp11.3.
Variant type: single nucleotide variant.
Coding change: c.1820C>A on transcript NM_006950.3 (MANE Select); coding-DNA position 1820, C replaced by A.
Protein change: p.Ala607Glu; replaces alanine 607 with glutamic acid.
Molecular consequence: missense variant.
Genome position (GRCh38, 1-based): chrX:47,574,164, G>T on the plus strand (C>A on the coding strand, the complement: SYN1 is on the minus strand). VCF-style: chrX-47574164-G-T. GRCh37 (hg19) VCF-style: chrX-47433563-G-T.
Other names: c.1820C>A, p.Ala607Glu (NM_133499.2); short protein forms A607E.
Identifiers: ClinVar variation 998912 (VCV000998912.7), dbSNP rs1339706473, ClinGen allele CA412822464.